The following is an entry in ClinVar:

ClinVar aggregate classification (germline): Uncertain significance (1 of 4 stars; one submission).

gnomAD v4.1: 1 of 1,605,150 alleles (0.000062%); highest among the groups gnomAD compares: Non-Finnish European, 0.000085%; no homozygotes.

Submission:

GeneDx
Classification: Uncertain significance. Last evaluated: 2024-08-07. Review status: criteria provided, single submitter. Criteria: GeneDx Variant Classification Process June 2021. Collection method: clinical testing. Allele origin: germline. Affected: yes.
Comment: Not observed at significant frequency in large population cohorts (gnomAD); In silico analysis indicates that this missense variant does not alter protein structure/function; Has not been previously published as pathogenic or benign to our knowledge

NM_018489.3(ASH1L):c.4973A>G (p.Gln1658Arg)

Gene: ASH1L (ASH1 like histone lysine methyltransferase; minus strand). Cytogenetic location: 1q22.
Variant type: single nucleotide variant.
Coding change: c.4973A>G on transcript NM_018489.3 (MANE Select); coding-DNA position 4973, A replaced by G.
Protein change: p.Gln1658Arg; replaces glutamine 1658 with arginine.
Molecular consequence: missense variant.
Genome position (GRCh38, 1-based): chr1:155,477,897, T>C on the plus strand (A>G on the coding strand, the complement: ASH1L is on the minus strand). VCF-style: chr1-155477897-T-C. GRCh37 (hg19) VCF-style: chr1-155447688-T-C.
Other names: c.4973A>G, p.Gln1658Arg (NM_001366177.2); short protein forms Q1658R.
Identifiers: ClinVar variation 3602843 (VCV003602843.1).